The following is an entry in ClinVar:

NM_005677.4(COLQ):c.824del (p.Ile275fs)

Gene: COLQ (collagen like tail subunit of asymmetric acetylcholinesterase; minus strand). Cytogenetic location: 3p25.1.
Variant type: Deletion.
Coding change: c.824del on transcript NM_005677.4 (MANE Select); coding-DNA position 824, one base deleted (T; older notation c.824delT).
Protein change: p.Ile275fs; shifts the reading frame from isoleucine 275.
Molecular consequence: frameshift variant.
Genome position (GRCh38, 1-based): chr3:15,458,316, A deleted on the plus strand (T on the coding strand, the reverse complement: COLQ is on the minus strand). VCF-style (leftmost placement, unchanged base first): chr3-15458315-TA-T. GRCh37 (hg19) VCF-style: chr3-15499822-TA-T.
Other names: c.794del, p.Ile265fs (NM_080538.2); c.722del, p.Ile241fs (NM_080539.4); short protein forms I241fs, I275fs, I265fs.
Identifiers: ClinVar variation 3711709 (VCV003711709.2).
Genomic context (GRCh38, chr3:15,458,315, plus strand): 5'-GGGTCCACAAAGACATCTTCCTGGAGGCCCGGGAAATCCTCTTTCCCCTTTGGGTCCCAT[TA>T]TAAGTTGTCCTAGGAAGCAACAGACTGCTGTGTTACTAGAGCCAAGGAAGAGAAGACCAA-3'

ClinVar aggregate classification (germline): Pathogenic (1 of 4 stars; one submission).

Conditions:
Congenital myasthenic syndrome 5. Identifiers: Orphanet 590, MedGen C1864233, MONDO:0011281, OMIM 603034.

Submission:

Labcorp Genetics (formerly Invitae), Labcorp
Classification: Pathogenic for Congenital myasthenic syndrome 5. Last evaluated: 2025-07-29. Review status: criteria provided, single submitter. Criteria: Invitae Variant Classification Sherloc (09022015). Collection method: clinical testing. Allele origin: germline.
Comment: This sequence change creates a premature translational stop signal (p.Ile275Lysfs*23) in the COLQ gene. It is expected to result in an absent or disrupted protein product. Loss-of-function variants in COLQ are known to be pathogenic (PMID: 22678886). This variant is present in population databases (no rsID available, gnomAD 0.003%). This variant has not been reported in the literature in individuals affected with COLQ-related conditions. ClinVar contains an entry for this variant (Variation ID: 3711709). For these reasons, this variant has been classified as Pathogenic.

Literature cited by the submitters: PubMed 22678886.